The following is an entry in ClinVar:

ClinVar aggregate classification (germline): Likely pathogenic. Review status: criteria provided, multiple submitters, no conflicts (2 of 4 stars). 2 submissions from 2 submitters: Likely pathogenic (2). Last evaluated 2024-06-16.

Conditions:
Fructose-biphosphatase deficiency (FBP1D). Also called: Fructose-1,6-Diphosphatase Deficiency; Fructose 1,6 Bisphosphatase Deficiency; Fructose-1,6-Bisphosphatase 1 Deficiency. Identifiers: Orphanet 348, MedGen C0016756, MONDO:0009251, OMIM 229700.

Allele frequency attached by ClinVar (database versions not stated): gnomAD exomes below 0.00001; ExAC 0.00001.
gnomAD v4.1: 1 of 1,614,040 alleles (0.000062%); highest among the groups gnomAD compares: Non-Finnish European, 0.000085%; no homozygotes.

Submissions (2):

Fulgent Genetics
Classification: Likely pathogenic for Fructose-biphosphatase deficiency. Last evaluated: 2024-06-16. Review status: criteria provided, single submitter. Criteria: ACMG Guidelines, 2015. Collection method: clinical testing. Allele origin: germline.

Labcorp Genetics (formerly Invitae), Labcorp
Classification: Likely pathogenic for Fructose-biphosphatase deficiency. Last evaluated: 2023-08-31. Review status: criteria provided, single submitter. Criteria: Invitae Variant Classification Sherloc (09022015). Collection method: clinical testing. Allele origin: germline.
Comment: In summary, the currently available evidence indicates that the variant is pathogenic, but additional data are needed to prove that conclusively. Therefore, this variant has been classified as Likely Pathogenic. Algorithms developed to predict the effect of sequence changes on RNA splicing suggest that this variant may disrupt the consensus splice site. This variant has not been reported in the literature in individuals affected with FBP1-related conditions. This variant is present in population databases (rs754248755, gnomAD 0.0009%). This sequence change affects an acceptor splice site in intron 3 of the FBP1 gene. It is expected to disrupt RNA splicing. Variants that disrupt the donor or acceptor splice site typically lead to a loss of protein function (PMID: 16199547), and loss-of-function variants in FBP1 are known to be pathogenic (PMID: 9382095, 19259699, 27101822).

Literature cited by the submitters: PubMed 16199547 (cited by Labcorp Genetics (formerly Invitae), Labcorp); PubMed 9382095 (cited by Labcorp Genetics (formerly Invitae), Labcorp); PubMed 19259699 (cited by Labcorp Genetics (formerly Invitae), Labcorp); PubMed 27101822 (cited by Labcorp Genetics (formerly Invitae), Labcorp).

NM_000507.4(FBP1):c.427-2A>G

Gene: FBP1 (fructose-bisphosphatase 1; minus strand). Cytogenetic location: 9q22.32.
Variant type: single nucleotide variant.
Coding change: c.427-2A>G on transcript NM_000507.4 (MANE Select); the canonical splice acceptor site of the intron before coding-DNA position 427, A replaced by G.
Molecular consequence: splice acceptor variant.
Genome position (GRCh38, 1-based): chr9:94,610,063, T>C on the plus strand (A>G on the coding strand, the complement: FBP1 is on the minus strand). VCF-style: chr9-94610063-T-C. GRCh37 (hg19) VCF-style: chr9-97372345-T-C.
Other names: c.427-2A>G (NM_001127628.2).
Identifiers: ClinVar variation 2996975 (VCV002996975.4), dbSNP rs754248755, ClinGen allele CA5136227.